The following is an entry in ClinVar:

NM_024529.5(CDC73):c.359G>T (p.Arg120Leu)

Gene: CDC73 (cell division cycle 73; plus strand). Cytogenetic location: 1q31.2.
Variant type: single nucleotide variant.
Coding change: c.359G>T on transcript NM_024529.5 (MANE Select); coding-DNA position 359, G replaced by T.
Protein change: p.Arg120Leu; replaces arginine 120 with leucine.
Molecular consequence: missense variant.
Genome position (GRCh38, 1-based): chr1:193,135,442, G>T. VCF-style: chr1-193135442-G-T. GRCh37 (hg19) VCF-style: chr1-193104572-G-T.
Other names: short protein forms R120L.
Identifiers: ClinVar variation 4728896 (VCV004728896.1).

ClinVar aggregate classification (germline): Uncertain significance (1 of 4 stars; one submission).

Conditions:
Parathyroid carcinoma (PRTC). Also called: CDC73-Related Parathyroid Carcinoma; Parathyroid gland carcinoma. Identifiers: Orphanet 143, MedGen C0687150, MONDO:0012004, OMIM 608266, HP:0006780.

Submission:

Labcorp Genetics (formerly Invitae), Labcorp
Classification: Uncertain significance for Parathyroid carcinoma. Last evaluated: 2025-10-10. Review status: criteria provided, single submitter. Criteria: Invitae Variant Classification Sherloc (09022015). Collection method: clinical testing. Allele origin: germline.
Comment: This sequence change replaces arginine, which is basic and polar, with leucine, which is neutral and non-polar, at codon 120 of the CDC73 protein (p.Arg120Leu). This variant is not present in population databases (gnomAD no frequency). This variant has not been reported in the literature in individuals affected with CDC73-related conditions. An algorithm developed to predict the effect of missense changes on protein structure and function (PolyPhen-2) suggests that this variant is likely to be tolerated. In summary, the available evidence is currently insufficient to determine the role of this variant in disease. Therefore, it has been classified as a Variant of Uncertain Significance.